The following is an entry in ClinVar:

ClinVar aggregate classification (germline): Uncertain significance. Review status: criteria provided, multiple submitters, no conflicts (2 of 4 stars). 2 submissions from 2 submitters: Uncertain significance (2). Last evaluated 2022-05-08.

Conditions:
Hereditary cancer-predisposing syndrome. Also called: Neoplastic Syndromes, Hereditary; Tumor predisposition; Hereditary Cancer Syndrome; Hereditary neoplastic syndrome. Identifiers: Orphanet 140162, MedGen C0027672, MeSH D009386, MONDO:0015356.
Hereditary nonpolyposis colorectal neoplasms. Identifiers: MedGen C0009405, MeSH D003123.

Submissions (2):

Labcorp Genetics (formerly Invitae), Labcorp
Classification: Uncertain significance for Hereditary nonpolyposis colorectal neoplasms. Last evaluated: 2022-05-08. Review status: criteria provided, single submitter. Criteria: Invitae Variant Classification Sherloc (09022015). Collection method: clinical testing. Allele origin: germline.
Comment: In summary, the available evidence is currently insufficient to determine the role of this variant in disease. Therefore, it has been classified as a Variant of Uncertain Significance. Advanced modeling of protein sequence and biophysical properties (such as structural, functional, and spatial information, amino acid conservation, physicochemical variation, residue mobility, and thermodynamic stability) performed at Invitae indicates that this missense variant is not expected to disrupt PMS2 protein function. This variant has not been reported in the literature in individuals affected with PMS2-related conditions. This variant is not present in population databases (gnomAD no frequency). This sequence change replaces cysteine, which is neutral and slightly polar, with tyrosine, which is neutral and polar, at codon 259 of the PMS2 protein (p.Cys259Tyr).

Ambry Genetics
Classification: Uncertain significance for Hereditary cancer-predisposing syndrome. Last evaluated: 2021-10-11. Review status: criteria provided, single submitter. Criteria: Ambry Variant Classification Scheme 2023. Collection method: clinical testing. Allele origin: germline.
Comment: The p.C259Y variant (also known as c.776G>A), located in coding exon 7 of the PMS2 gene, results from a G to A substitution at nucleotide position 776. The cysteine at codon 259 is replaced by tyrosine, an amino acid with highly dissimilar properties. This amino acid position is not well conserved in available vertebrate species. In addition, this alteration is predicted to be tolerated by in silico analysis. Since supporting evidence is limited at this time, the clinical significance of this alteration remains unclear.

NM_000535.7(PMS2):c.776G>A (p.Cys259Tyr)

Gene: PMS2 (PMS1 homolog 2, mismatch repair system component; minus strand). Cytogenetic location: 7p22.1.
Variant type: single nucleotide variant.
Coding change: c.776G>A on transcript NM_000535.7 (MANE Select); coding-DNA position 776, G replaced by A.
Protein change: p.Cys259Tyr; replaces cysteine 259 with tyrosine.
Molecular consequence: missense variant. On other transcripts: 5 prime UTR variant (2), non-coding transcript variant (1).
Genome position (GRCh38, 1-based): chr7:5,997,353, C>T on the plus strand (G>A on the coding strand, the complement: PMS2 is on the minus strand). VCF-style: chr7-5997353-C-T. GRCh37 (hg19) VCF-style: chr7-6036984-C-T.
Other names: c.371G>A, p.Cys124Tyr (NM_001406899.1, NM_001406897.1, NM_001406898.1 and 20 more transcripts); c.467G>A, p.Cys156Tyr (NM_001406900.1, NM_001322015.2, NM_001406875.1 and 6 more transcripts); c.458G>A, p.Cys153Tyr (NM_001406901.1, NM_001322007.2, NM_001322008.2 and 4 more transcripts); c.776G>A, p.Cys259Tyr (NM_001322006.2, NM_001322014.2, NM_001406870.1 and 3 more transcripts); c.-158G>A (NM_001322011.2, NM_001322012.2); c.203G>A, p.Cys68Tyr (NM_001322013.2, NM_001406909.1); c.962G>A, p.Cys321Tyr (NM_001406866.1); c.800G>A, p.Cys267Tyr (NM_001406868.1); and 4 more; short protein forms C88Y, C124Y, C156Y, C203Y, C223Y, C267Y, C153Y, C259Y.
Identifiers: ClinVar variation 1760541 (VCV001760541.7), dbSNP rs2128786924, ClinGen allele CA366743657.